The following is an entry in ClinVar:

ClinVar aggregate classification (germline): Uncertain significance. Review status: criteria provided, multiple submitters, no conflicts (2 of 4 stars). 2 submissions from 2 submitters: Uncertain significance (2). Last evaluated 2024-06-03.

Conditions:
Infantile liver failure syndrome 2 (ILFS2). Identifiers: MedGen C3809651, MONDO:0014659, OMIM 616483.

Submissions (2):

Women's Health and Genetics/Laboratory Corporation of America, LabCorp
Classification: Uncertain significance. Last evaluated: 2024-06-03. Review status: criteria provided, single submitter. Criteria: LabCorp Variant Classification Summary - May 2015. Collection method: clinical testing. Allele origin: germline.
Comment: Variant summary: NBAS c.5465_5467delinsCTT (p.Asn1822_Ile1823delinsThrPhe) results in an in-frame deletion-insertion that is predicted to cause changes in two amino acids. The variant allele was found at a frequency of 0.00083 in 125487 control chromosomes in the gnomAD database, including 1 homozygote (gnomAD Variant Co-Occurrence dataset, v2.1.1). This frequency is not significantly higher than estimated for a pathogenic variant in NBAS causing Liver Failure Acute Infantile, Type 2 (0.00083 vs 0.0011), allowing no conclusion about variant significance. Both of the constituent SNVs that make up this variant, c.5465A>C (p.Asn1822Thr) and c.5467A>T (p.Ile1823Phe), have been reported in the literature in individuals affected with Liver Failure Acute Infantile, Type 2 (e.g., Nazmi_NBAS_LI_2021). However, this report did not provide convincing conclusions about association of the variant with Liver Failure Acute Infantile, Type 2, and it is unclear if the two homozygous SNVs occurred in the same individual. To our knowledge, no experimental evidence demonstrating an impact on protein function has been reported. The following publication was ascertained in the context of this evaluation (PMID: 34396667). ClinVar contains an entry for this variant (Variation ID: 1683680). Based on the evidence outlined above, the variant was classified as uncertain significance.

Laboratorio de Genetica e Diagnostico Molecular, Hospital Israelita Albert Einstein
Classification: Uncertain significance for Infantile liver failure syndrome 2. Last evaluated: 2021-06-28. Review status: criteria provided, single submitter. Criteria: ACMG Guidelines, 2015. Collection method: clinical testing. Allele origin: germline. Affected: yes.
Comment: ACMG classification criteria: PM2 moderate

Literature cited by the submitters: PubMed 34396667 (cited by Women's Health and Genetics/Laboratory Corporation of America, LabCorp).

NM_015909.4(NBAS):c.5465_5467delinsCTT (p.Asn1822_Ile1823delinsThrPhe)

Gene: NBAS (NBAS subunit of NRZ tethering complex; minus strand). Cytogenetic location: 2p24.3.
Variant type: Indel.
Coding change: c.5465_5467delinsCTT on transcript NM_015909.4 (MANE Select); coding-DNA positions 5465 to 5467, ATA replaced by CTT.
Protein change: p.Asn1822_Ile1823delinsThrPhe.
Molecular consequence: missense variant. On other transcripts: non-coding transcript variant (1).
Genome position (GRCh38, 1-based): chr2:15,275,741-15,275,743, TAT replaced by AAG on the plus strand (ATA replaced by CTT on the coding strand, the reverse complement: NBAS is on the minus strand). VCF-style: chr2-15275741-TAT-AAG. GRCh37 (hg19) VCF-style: chr2-15415865-TAT-AAG.
Identifiers: ClinVar variation 1683680 (VCV001683680.3), dbSNP rs2148055634, ClinGen allele CA2573133171.